The following is an entry in ClinVar:

ClinVar aggregate classification (germline): Uncertain significance. Review status: criteria provided, multiple submitters, no conflicts (2 of 4 stars). 3 submissions from 3 submitters: Uncertain significance (3). Last evaluated 2026-04-08.

Allele frequency attached by ClinVar (database versions not stated): TOPMed 0.00011; gnomAD 0.00009; gnomAD exomes 0.00010 and 0.00012; ESP Exome Variant Server 0.00009; ExAC 0.00014.

Submissions (3):

GeneDx
Classification: Uncertain significance. Last evaluated: 2026-04-08. Review status: criteria provided, single submitter. Criteria: GeneDx Variant Classification Process June 2021. Collection method: clinical testing. Allele origin: germline.
Comment: Observed in large aggregate dataset examining de novo variants in patients with various developmental disorders (PMID: 31785789, 33057194, 35982159); In silico analysis suggests that this missense variant does not alter protein structure/function; This variant is associated with the following publications: (PMID: 33057194, 35982159, 31785789)

Labcorp Genetics (formerly Invitae), Labcorp
Classification: Uncertain significance. Last evaluated: 2024-10-07. Review status: criteria provided, single submitter. Criteria: Invitae Variant Classification Sherloc (09022015). Collection method: clinical testing. Allele origin: germline.
Comment: This sequence change replaces valine, which is neutral and non-polar, with isoleucine, which is neutral and non-polar, at codon 547 of the RTTN protein (p.Val547Ile). This variant is present in population databases (rs377209454, gnomAD 0.05%). This missense change has been observed in individual(s) with clinical features of RTTN-related conditions (PMID: 31785789). ClinVar contains an entry for this variant (Variation ID: 1423441). Invitae Evidence Modeling of protein sequence and biophysical properties (such as structural, functional, and spatial information, amino acid conservation, physicochemical variation, residue mobility, and thermodynamic stability) indicates that this missense variant is not expected to disrupt RTTN protein function with a negative predictive value of 80%. In summary, the available evidence is currently insufficient to determine the role of this variant in disease. Therefore, it has been classified as a Variant of Uncertain Significance.

Breakthrough Genomics
Classification: Uncertain significance. Review status: criteria provided, single submitter. Criteria: ACMG Guidelines, 2015. Collection method: not provided. Allele origin: germline. Inheritance: Autosomal recessive inheritance. Affected: yes.

Literature cited by the submitters: PubMed 31785789 (cited by Labcorp Genetics (formerly Invitae), Labcorp).

NM_173630.4(RTTN):c.1639G>A (p.Val547Ile)

Gene: RTTN (rotatin; minus strand). Cytogenetic location: 18q22.2.
Variant type: single nucleotide variant.
Coding change: c.1639G>A on transcript NM_173630.4 (MANE Select); coding-DNA position 1639, G replaced by A.
Protein change: p.Val547Ile; replaces valine 547 with isoleucine.
Molecular consequence: missense variant. On other transcripts: 5 prime UTR variant (1).
Genome position (GRCh38, 1-based): chr18:70,168,905, C>T on the plus strand (G>A on the coding strand, the complement: RTTN is on the minus strand). VCF-style: chr18-70168905-C-T. GRCh37 (hg19) VCF-style: chr18-67836141-C-T.
Other names: c.-1009G>A (NM_001318520.2); c.1639G>A (NM_173630.3); short protein forms V547I.
Identifiers: ClinVar variation 1423441 (VCV001423441.9), dbSNP rs377209454, ClinGen allele CA8996128.